The following is an entry in ClinVar:

ClinVar aggregate classification (germline): Benign (1 of 4 stars; one submission).

Conditions:
Familial cancer of breast. Also called: BREAST CANCER, FAMILIAL; Hereditary breast cancer; hereditary breast carcinoma. Identifiers: Orphanet 227535, MedGen C0346153, MONDO:0016419, OMIM 114480. Disease mechanism: loss of function.

Submission:

Myriad Genetics, Inc.
Classification: Benign for Familial cancer of breast. Last evaluated: 2024-05-14. Review status: criteria provided, single submitter. Criteria: Myriad Autosomal Dominant, Autosomal Recessive and X-Linked Classification Criteria (2023). Collection method: clinical testing. Allele origin: unknown.
Comment: This variant is considered benign. This variant is a silent/synonymous amino acid change and it is not expected to impact splicing.

NM_000051.4(ATM):c.3249C>T (p.His1083=)

Gene: ATM (ATM serine/threonine kinase; plus strand). Cytogenetic location: 11q22.3.
Variant type: single nucleotide variant.
Coding change: c.3249C>T on transcript NM_000051.4 (MANE Select); coding-DNA position 3249, C replaced by T.
Protein change: p.His1083=; no amino-acid change (histidine 1083 retained).
Molecular consequence: synonymous variant.
Genome position (GRCh38, 1-based): chr11:108,272,817, C>T. VCF-style: chr11-108272817-C-T. GRCh37 (hg19) VCF-style: chr11-108143544-C-T.
Other names: c.3249C>T, p.His1083= (NM_001351834.2).
Identifiers: ClinVar variation 3254234 (VCV003254234.1), dbSNP rs1246816005.